The following is an entry in ClinVar:

NM_000018.4(ACADVL):c.855G>C (p.Glu285Asp)

Gene: ACADVL (acyl-CoA dehydrogenase very long chain; plus strand). Cytogenetic location: 17p13.1.
Variant type: single nucleotide variant.
Coding change: c.855G>C on transcript NM_000018.4 (MANE Select); coding-DNA position 855, G replaced by C.
Protein change: p.Glu285Asp; replaces glutamic acid 285 with aspartic acid.
Molecular consequence: missense variant.
Genome position (GRCh38, 1-based): chr17:7,222,279, G>C. VCF-style: chr17-7222279-G-C. GRCh37 (hg19) VCF-style: chr17-7125598-G-C.
Other names: c.789G>C, p.Glu263Asp (NM_001033859.3); c.924G>C, p.Glu308Asp (NM_001270447.2); c.627G>C, p.Glu209Asp (NM_001270448.2); short protein forms E209D, E263D, E308D, E285D.
Identifiers: ClinVar variation 932756 (VCV000932756.11), dbSNP rs201509063, ClinGen allele CA8337868.

ClinVar aggregate classification (germline): Conflicting classifications of pathogenicity. Review status: criteria provided, conflicting classifications (1 of 4 stars). 5 submissions from 5 submitters: Likely pathogenic (1); Uncertain significance (4). Last evaluated 2026-06-15.

Conditions:
ACADVL-related disorder. Also called: ACADVL-related condition.
Very long chain acyl-CoA dehydrogenase deficiency (ACADVLD). Also called: VLCAD Deficiency; Very Long-Chain Acyl-Coenzyme A Dehydrogenase Deficiency. Identifiers: Orphanet 26793, MedGen C3887523, MONDO:0008723, OMIM 201475.

Allele frequency attached by ClinVar (database versions not stated): ExAC 0.00002; TOPMed 0.00006.
gnomAD v4.1: 93 of 1,614,016 alleles (0.0058%); highest among the groups gnomAD compares: Non-Finnish European, 0.0074%; no homozygotes.

Submissions (5):

PreventionGenetics, part of Exact Sciences
Classification: Uncertain significance for ACADVL-related condition. Last evaluated: 2026-06-15. Review status: criteria provided, single submitter. Criteria: ACMG Guidelines, 2015. Collection method: clinical testing. Allele origin: germline.
Comment: The ACADVL c.855G>C variant is predicted to result in the amino acid substitution p.Glu285Asp. To our knowledge, this variant has not been reported in the literature. This variant is reported in 0.0029% of alleles in individuals of Latino descent in gnomAD. At this time, the clinical significance of this variant is uncertain due to the absence of conclusive functional and genetic evidence.

Blueprint Genetics
Classification: Uncertain significance. Last evaluated: 2023-07-04. Review status: criteria provided, single submitter. Criteria: ACMG Guidelines, 2015. Collection method: clinical testing. Allele origin: germline.

Labcorp Genetics (formerly Invitae), Labcorp
Classification: Uncertain significance for Very long chain acyl-CoA dehydrogenase deficiency. Last evaluated: 2022-05-08. Review status: criteria provided, single submitter. Criteria: Invitae Variant Classification Sherloc (09022015). Collection method: clinical testing. Allele origin: germline.
Comment: This sequence change replaces glutamic acid, which is acidic and polar, with aspartic acid, which is acidic and polar, at codon 285 of the ACADVL protein (p.Glu285Asp). This variant is present in population databases (rs201509063, gnomAD 0.006%). This variant has not been reported in the literature in individuals affected with ACADVL-related conditions. ClinVar contains an entry for this variant (Variation ID: 932756). Algorithms developed to predict the effect of missense changes on protein structure and function (SIFT, PolyPhen-2, Align-GVGD) all suggest that this variant is likely to be disruptive. In summary, the available evidence is currently insufficient to determine the role of this variant in disease. Therefore, it has been classified as a Variant of Uncertain Significance.

GeneDx
Classification: Likely pathogenic. Last evaluated: 2021-04-26. Review status: criteria provided, single submitter. Criteria: GeneDx Variant Classification Process June 2021. Collection method: clinical testing. Allele origin: germline. Affected: yes.
Comment: Has not been previously published as pathogenic or benign to our knowledge; Not observed at a significant frequency in large population cohorts (Lek et al., 2016); In silico analysis, which includes protein predictors and evolutionary conservation, supports a deleterious effect

Wong Mito Lab, Molecular and Human Genetics, Baylor College of Medicine
Classification: Uncertain significance for Very long chain acyl-CoA dehydrogenase deficiency. Last evaluated: 2019-11-01. Review status: criteria provided, single submitter. Criteria: ACMG Guidelines, 2015. Collection method: clinical testing. Allele origin: germline.
Comment: The NM_000018.3:c.855G>C (NP_000009.1:p.Glu285Asp) [GRCH38: NC_000017.11:g.7222279G>C] variant in ACADVL gene is interpretated to be Uncertain Significance based on ACMG guidelines (PMID: 25741868). This variant has been reported. This variant meets the following evidence codes reported in the ACMG guidelines: PP3